The following continues an entry in ClinVar:

NM_007294.4(BRCA1):c.5266dup (p.Gln1756fs)

Gene: BRCA1. ClinVar aggregate classification (germline): Pathogenic. Pathogenic (1).

Submissions 12 to 20 of 101:

Variantyx, Inc.
Classification: Pathogenic for Breast-ovarian cancer, familial, susceptibility to, 1. Last evaluated: 2026-01-08. Review status: criteria provided, single submitter. Criteria: Variantyx Assertion Criteria 2022. Collection method: clinical testing. Allele origin: germline. Inheritance: Autosomal dominant inheritance. Affected: yes. Not counted in ClinVar's aggregate classification.
Comment: This is a frameshift variant in the BRCA1 gene (OMIM: 113705). Pathogenic variants in this gene have been associated with autosomal dominant susceptibility to familial breast-ovarian cancer 1. Thisalteration introduces a premature termination codon in exon 23 out of 23 and is expected to result in loss of function, which is a known disease mechanism for BRCA1 (PMID: 8933332) (PVS1). While this alteration does not result in nonsense-mediated mRNA decay, it removes the C-terminal BRCT domain which is critical to protein function (PMID: 24319668). Other downstream pathogenic truncating variants have been reported in the medical literature (PMID: 20694749) and it is an established founder variant in the Ashkenazi Jewish population (PMID: 21119707, 22430266). However, it has been reported in individuals from other ethnicities as well (PMID: 22185575,¬†23199084, 20345474). Other reputable laboratories have reported this variant as pathogenic or likely pathogenic, and this classification has been supported by an expert panel in ClinVar. The variant has a 0.0054% maximum allele frequency in non-founder control populations. Based on the current evidence, this variant is classified as pathogenic for autosomal dominant susceptibility to familial breast-ovarian cancer 1.

Center for Genomic Medicine, Rigshospitalet, Copenhagen University Hospital
Classification: Pathogenic. Last evaluated: 2025-12-29. Review status: criteria provided, single submitter. Criteria: ACMG Guidelines, 2015. Collection method: clinical testing. Allele origin: germline. Not counted in ClinVar's aggregate classification.

Cambridge Genomics Laboratory, East Genomic Laboratory Hub, NHS Genomic Medicine Service
Classification: Pathogenic for Inherited breast cancer and ovarian cancer. Last evaluated: 2025-11-25. Review status: criteria provided, single submitter. Criteria: ACGS Best Practice Guidelines for Variant Classification in Rare Disease 2020. Collection method: clinical testing. Allele origin: germline. Affected: yes. Not counted in ClinVar's aggregate classification.
Comment: PVS1,PS4_Very Strong,PM5_Strong

Clinical Genetics Laboratory, University Hospital Schleswig-Holstein
Classification: Pathogenic for Breast-ovarian cancer, familial, susceptibility to, 1. Last evaluated: 2025-11-10. Review status: criteria provided, single submitter. Criteria: ACMG Guidelines, 2015. Collection method: clinical testing. Allele origin: germline. Observed: 1 heterozygote. Not counted in ClinVar's aggregate classification.
Comment: ACMG criteria applied: PS4, PVS1

Ambry Genetics
Classification: Pathogenic for Hereditary cancer-predisposing syndrome. Last evaluated: 2025-09-02. Review status: criteria provided, single submitter. Criteria: Ambry Variant Classification Scheme 2023. Collection method: clinical testing. Allele origin: germline. Not counted in ClinVar's aggregate classification.
Comment: The c.5266dupC (p.Q1756Pfs*74) alteration, located in exon 19 (coding exon 18) of the BRCA1 gene, consists of a duplication of C at position 5266, causing a translational frameshift with a predicted alternate stop codon after 74 amino acids. This alteration is expected to result in loss of function by premature protein truncation or nonsense-mediated mRNA decay. Based on data from gnomAD, the CC allele has an overall frequency of 0.018% (51/282892) total alleles studied. The highest observed frequency was 0.231% (24/10370) of Ashkenazi Jewish alleles. This variant is one of three well-characterized Ashkenazi Jewish founder mutations, with an overall carrier frequency of nearly 0.5% in this population, but has also been shown to occur at high frequency in many other European populations (Hartge, 1999; Hamel, 2011; Kluz, 2018). This variant has been reported in individuals with hereditary breast and ovarian cancer (HBOC) syndrome, including individuals with male breast cancer, pancreatic cancer, and prostate cancer (Antoniou, 2005; Bogdanova, 2010; Finkelman, 2012; Yurgelun, 2015; Bernards, 2016; Pritchard, 2016; Kluz, 2018; Fostira, 2018). In a large case control-study, this variant was reported in 97/60,466 breast cancer cases and in 11/53,461 controls (Breast Cancer Association, 2021). Of note, this variant is also designated as 5382insC and 5385insC in the published literature. Based on the available evidence, this alteration is classified as pathogenic.

Helix
Classification: Pathogenic for Breast-ovarian cancer, familial, susceptibility to, 1. Last evaluated: 2025-08-14. Review status: criteria provided, single submitter. Criteria: ACMG Guidelines, 2015. Collection method: clinical testing. Allele origin: germline. Inheritance: Autosomal dominant inheritance. Not counted in ClinVar's aggregate classification.
Comment: This variant (NM_007294.4:c.5266dup p.Gln1756ProfsTer74) results in a frameshift, which creates a premature stop codon in the BRCA1 gene. It is not expected to cause mRNA nonsense-mediated decay, but is expected to result in the production of a truncated protein. LOF variants in this gene are known to be deleterious (PMID: 20104584, 20301575). This variant is also known as 5382insC and 5385insC. It is present in the gnomAD population database (v4.1) at the highest allele frequency in the European (non-Finnish) subpopulation among non-founder subpopulations (64/1179926 alleles, 0.0054%).. This variant has been observed in numerous individuals with a personal and/or family history of BRCA1-related cancers (PMID: 21119707). This is a founder variant in the Ashkenazi Jewish subpopulation (PMID: 30152102). Functional studies suggest that this variant may affect protein function (PMID: 14729053, 23867111). This variant is present in ClinVar (Accession: VCV000017677.152). In conclusion, this variant has been classified as Pathogenic.

ARUP Laboratories, Molecular Genetics and Genomics, ARUP Laboratories
Classification: Pathogenic. Last evaluated: 2025-05-23. Review status: criteria provided, single submitter. Criteria: ARUP Molecular Germline Variant Investigation Process 2024. Collection method: clinical testing. Allele origin: germline. Not counted in ClinVar's aggregate classification.
Comment: The BRCA1 c.5266dup; p.Gln1756ProfsTer74 variant, also known as 5382insC, has been described in individuals and families with hereditary breast and ovarian cancer, peritoneal cancer, and pancreatic cancer and is a known pathogenic founder variant (Bogdanova 2010, Elsakov 2010, Heidemann 2012, Simard 1994, Uglanitsa 2010, Zhang 2011). This variant is reported as pathogenic in ClinVar (Variation ID: 17677). It is found in the general population with an overall allele frequency of 0.02% (51/282892 alleles) in the Genome Aggregation Database. This variant causes a frameshift by duplicating a single nucleotide, so it is predicted to result in a truncated protein or mRNA subject to nonsense-mediated decay. Based on available information, this variant is considered to be pathogenic. References: Bogdanova NV et al. High frequency and allele-specific differences of BRCA1 founder mutations in breast cancer and ovarian cancer patients from Belarus. Clin Genet. 2010 78(4):364-72. PMID: 20569256. Elsakov P et al. The contribution of founder mutations in BRCA1 to breast and ovarian cancer in Lithuania. Clin Genet. 2010 78(4):373-6. PMID: 20345474. Heidemann S et al. Double heterozygosity for mutations in BRCA1 and BRCA2 in German breast cancer patients: implications on test strategies and clinical management. Breast Cancer Res Treat. 2012 134(3):1229-39. PMID: 22535016. Simard J et al. Common origins of BRCA1 mutations in Canadian breast and ovarian cancer families. Nat Genet. 1994 8(4):392-8. PMID: 7894492. Uglanitsa N et al. The contribution of founder mutations in BRCA1 to breast cancer in Belarus. Clin Genet. 2010 78(4):377-80. PMID: 20507347. Zhang S et al. Frequencies of BRCA1 and BRCA2 mutations among 1,342 unselected patients with invasive ovarian cancer. Gynecol Oncol. 2011 121(2):353-7. PMID: 21324516.

Color Diagnostics, LLC DBA Color Health
Classification: Pathogenic for Hereditary cancer-predisposing syndrome. Last evaluated: 2025-03-31. Review status: criteria provided, single submitter. Criteria: ACMG Guidelines, 2015. Collection method: clinical testing. Allele origin: germline. Not counted in ClinVar's aggregate classification.
Comment: This variant (also known as 5382insC and 5385insC) inserts 1 nucleotide in exon 19 of the BRCA1 gene, causing a frameshift and a premature translational stop signal in the last exon. The mutant transcript is expected to escape nonsense-mediated decay and be expressed as a truncated protein that lacks the C-terminal BRCT domain. Experimental studies have shown that variant impacts BRCA1 function in homology-directed repair and subcellular localization assays (PMID: 14729053, 23867111). This variant is a well-known founder mutation in the Ashkenazi Jewish population and occurs at 0.13-0.28% minor allele frequency (PMID: 8841191, 9145676, 11466700, 30152102). This variant has been reported in numerous individuals affected with breast and/or ovarian cancer (PMID: 7545954, 7894492, 8531967, 9042909, 9150153, 17922257, 18334730, 21643751, 22430266, 25418591, 29335925, 30480775, 30606148, 30975216). This variant is the most globally frequent, pathogenic BRCA1 variant and has been reported in diverse populations in Africa, America, Asia and Europe (PMID: 24312913). The risk of female breast cancer among carriers of this mutation is 67-89% by age 70, and the risk of ovarian cancer is 22-42% by age 70 (PMID: 9145676, 15994883, 22430266). A breast cancer case-control meta-analysis has reported this variant in 97/60369 cases and 11/53450 controls with an estimated OR of 7.808 (95%CI 4.185 to 14.567) (PMID: 33471991; Leiden Open Variation Database DB-ID BRCA1_000440). This variant has been identified in 51/282892 chromosomes (24/10370 Ashkenazi Jewish chromosomes and 25/129200 Non-Finnish European chromosomes) in the general population by the Genome Aggregation Database (gnomAD). Loss of BRCA1 function is a known mechanism of disease. Based on the available evidence, this variant is classified as Pathogenic.

Laboratory of Genetics, Children's Clinical University Hospital Latvia
Classification: Pathogenic. Last evaluated: 2025-02-16. Review status: criteria provided, single submitter. Criteria: ACMG Guidelines, 2015. Collection method: clinical testing. Allele origin: germline. Affected: yes. Not counted in ClinVar's aggregate classification.